The following is an entry in ClinVar:

ClinVar aggregate classification (germline): Uncertain significance (1 of 4 stars; one submission).

Allele frequency attached by ClinVar (database versions not stated): gnomAD exomes 0.00001.

Submission:

Labcorp Genetics (formerly Invitae), Labcorp
Classification: Uncertain significance. Last evaluated: 2025-01-06. Review status: criteria provided, single submitter. Criteria: Invitae Variant Classification Sherloc (09022015). Collection method: clinical testing. Allele origin: germline.
Comment: This sequence change replaces glutamic acid, which is acidic and polar, with lysine, which is basic and polar, at codon 731 of the ADAMTSL4 protein (p.Glu731Lys). This variant is present in population databases (rs756583444, gnomAD 0.02%). This variant has not been reported in the literature in individuals affected with ADAMTSL4-related conditions. ClinVar contains an entry for this variant (Variation ID: 1366925). Invitae Evidence Modeling of protein sequence and biophysical properties (such as structural, functional, and spatial information, amino acid conservation, physicochemical variation, residue mobility, and thermodynamic stability) has been performed for this missense variant. However, the output from this modeling did not meet the statistical confidence thresholds required to predict the impact of this variant on ADAMTSL4 protein function. In summary, the available evidence is currently insufficient to determine the role of this variant in disease. Therefore, it has been classified as a Variant of Uncertain Significance.

NM_019032.6(ADAMTSL4):c.2191G>A (p.Glu731Lys)

Gene: ADAMTSL4 (ADAMTS like 4; plus strand). Cytogenetic location: 1q21.2.
Variant type: single nucleotide variant.
Coding change: c.2191G>A on transcript NM_019032.6 (MANE Select); coding-DNA position 2191, G replaced by A.
Protein change: p.Glu731Lys; replaces glutamic acid 731 with lysine.
Molecular consequence: missense variant.
Genome position (GRCh38, 1-based): chr1:150,557,958, G>A. VCF-style: chr1-150557958-G-A. GRCh37 (hg19) VCF-style: chr1-150530434-G-A.
Other names: c.2074G>A, p.Glu692Lys (NM_001288607.2); c.2260G>A, p.Glu754Lys (NM_001288608.2); c.2191G>A, p.Glu731Lys (NM_001378596.1, NM_025008.5); short protein forms E754K, E692K, E731K.
Identifiers: ClinVar variation 1366925 (VCV001366925.5), dbSNP rs756583444, ClinGen allele CA1078580.